The following is an entry in ClinVar:

ClinVar aggregate classification (germline): Uncertain significance (1 of 4 stars; one submission).

Conditions:
Hereditary cancer-predisposing syndrome. Also called: Neoplastic Syndromes, Hereditary; Tumor predisposition; Hereditary neoplastic syndrome; Hereditary Cancer Syndrome. Identifiers: Orphanet 140162, MedGen C0027672, MeSH D009386, MONDO:0015356.

Submission:

Ambry Genetics
Classification: Uncertain significance for Hereditary cancer-predisposing syndrome. Last evaluated: 2026-07-06. Review status: criteria provided, single submitter. Criteria: Ambry Variant Classification Scheme 2023. Collection method: clinical testing. Allele origin: germline.
Comment: The p.P222R variant (also known as c.665C>G), located in coding exon 7 of the BRCA2 gene, results from a C to G substitution at nucleotide position 665. The proline at codon 222 is replaced by arginine, an amino acid with dissimilar properties. This amino acid position is conserved. In addition, this alteration is predicted to be tolerated by in silico analysis. Based on the available evidence, the clinical significance of this variant remains unclear.

NM_000059.4(BRCA2):c.665C>G (p.Pro222Arg)

Gene: BRCA2 (BRCA2 DNA repair associated; plus strand). Cytogenetic location: 13q13.1.
Variant type: single nucleotide variant.
Coding change: c.665C>G on transcript NM_000059.4 (MANE Select); coding-DNA position 665, C replaced by G.
Protein change: p.Pro222Arg; replaces proline 222 with arginine.
Molecular consequence: missense variant. On other transcripts: non-coding transcript variant (1).
Genome position (GRCh38, 1-based): chr13:32,329,476, C>G. VCF-style: chr13-32329476-C-G. GRCh37 (hg19) VCF-style: chr13-32903613-C-G.
Other names: c.665C>G, p.Pro222Arg (NM_001406719.1, NM_001406720.1, NM_001406721.1 and 1 more transcripts); c.296C>G, p.Pro99Arg (NM_001406722.1); short protein forms P222R, P99R.
Identifiers: ClinVar variation 5033271 (VCV005033271.1).
Genomic context (GRCh38, chr13:32,329,476, plus strand): 5'-CAATACACATAAATTTTTATCTTACAGTCAGAAATGAAGAAGCATCTGAAACTGTATTTC[C>G]TCATGATACTACTGCTGTAAGTAAATATGACATTGATTAGACTGTTGAAATTGCTAACAA-3'
Protein context (NP_000050.3, residues 212-232): RNEEASETVF[Pro222Arg]HDTTANVKSY